The following is an entry in ClinVar:

NM_001098426.2(SMARCD2):c.1440+1G>A

Gene: SMARCD2 (SWI/SNF related BAF chromatin remodeling complex subunit D2; minus strand). Cytogenetic location: 17q23.3.
Variant type: single nucleotide variant.
Coding change: c.1440+1G>A on transcript NM_001098426.2 (MANE Select); the canonical splice donor site of the intron after coding-DNA position 1440, G replaced by A.
Molecular consequence: splice donor variant.
Genome position (GRCh38, 1-based): chr17:63,833,297, C>T on the plus strand (G>A on the coding strand, the complement: SMARCD2 is on the minus strand). VCF-style: chr17-63833297-C-T. GRCh37 (hg19) VCF-style: chr17-61910657-C-T.
Other names: c.1215+1G>A (NM_001330439.1); c.1296+1G>A (NM_001330440.2).
Identifiers: ClinVar variation 2050941 (VCV002050941.4), dbSNP rs2511436930, ClinGen allele CA400598006.

ClinVar aggregate classification (germline): Likely pathogenic (1 of 4 stars; one submission).

Allele frequency attached by ClinVar (database versions not stated): gnomAD exomes below 0.00001.
gnomAD v4.1: 1 of 1,613,966 alleles (0.000062%); highest among the groups gnomAD compares: East Asian, 0.0022%; no homozygotes.

Submission:

Labcorp Genetics (formerly Invitae), Labcorp
Classification: Likely pathogenic. Last evaluated: 2024-07-24. Review status: criteria provided, single submitter. Criteria: Invitae Variant Classification Sherloc (09022015). Collection method: clinical testing. Allele origin: germline.
Comment: This sequence change affects a donor splice site in intron 11 of the SMARCD2 gene. It is expected to disrupt RNA splicing. Variants that disrupt the donor or acceptor splice site typically lead to a loss of protein function (PMID: 16199547), and loss-of-function variants in SMARCD2 are known to be pathogenic (PMID: 28369036). This variant is not present in population databases (gnomAD no frequency). This variant has not been reported in the literature in individuals affected with SMARCD2-related conditions. ClinVar contains an entry for this variant (Variation ID: 2050941). Algorithms developed to predict the effect of sequence changes on RNA splicing suggest that this variant may disrupt the consensus splice site. In summary, the currently available evidence indicates that the variant is pathogenic, but additional data are needed to prove that conclusively. Therefore, this variant has been classified as Likely Pathogenic.

Literature cited by the submitters: PubMed 16199547; PubMed 28369036.